The following is an entry in ClinVar:

ClinVar aggregate classification (germline): Uncertain significance (1 of 4 stars; one submission).

Allele frequency attached by ClinVar (database versions not stated): TOPMed below 0.00001.

Submission:

Labcorp Genetics (formerly Invitae), Labcorp
Classification: Uncertain significance. Last evaluated: 2022-03-17. Review status: criteria provided, single submitter. Criteria: Invitae Variant Classification Sherloc (09022015). Collection method: clinical testing. Allele origin: germline.
Comment: Algorithms developed to predict the effect of missense changes on protein structure and function are either unavailable or do not agree on the potential impact of this missense change (SIFT: "Tolerated"; PolyPhen-2: "Possibly Damaging"; Align-GVGD: "Class C0"). This sequence change replaces threonine, which is neutral and polar, with serine, which is neutral and polar, at codon 4119 of the ADGRV1 protein (p.Thr4119Ser). This variant is not present in population databases (gnomAD no frequency). This variant has not been reported in the literature in individuals affected with ADGRV1-related conditions. In summary, the available evidence is currently insufficient to determine the role of this variant in disease. Therefore, it has been classified as a Variant of Uncertain Significance.

NM_032119.4(ADGRV1):c.12356C>G (p.Thr4119Ser)

Gene: ADGRV1 (adhesion G protein-coupled receptor V1; plus strand). Cytogenetic location: 5q14.3.
Variant type: single nucleotide variant.
Coding change: c.12356C>G on transcript NM_032119.4 (MANE Select); coding-DNA position 12356, C replaced by G.
Protein change: p.Thr4119Ser; replaces threonine 4119 with serine.
Molecular consequence: missense variant. On other transcripts: non-coding transcript variant (1).
Genome position (GRCh38, 1-based): chr5:90,774,256, C>G. VCF-style: chr5-90774256-C-G. GRCh37 (hg19) VCF-style: chr5-90070073-C-G.
Other names: short protein forms T4119S.
Identifiers: ClinVar variation 2103656 (VCV002103656.4), dbSNP rs1757987875, ClinGen allele CA360383787.
Genomic context (GRCh38, chr5:90,774,256, plus strand): 5'-AGAAGACCATTGTGTTGCACACACTTCAAGACACAGTGTTGGAGGAGGACAGGCGTTTCA[C>G]CATTCAGCTGATATCAATTGATGAGGTAGAAATATCTCCAGTAAAAGGTAAGAGAAATTC-3'
Protein context (NP_115495.3, residues 4109-4129): DTVLEEDRRF[Thr4119Ser]IQLISIDEVE